The following is an entry in ClinVar:

ClinVar aggregate classification (germline): Likely pathogenic. Review status: criteria provided, multiple submitters, no conflicts (2 of 4 stars). 3 submissions from 3 submitters: Likely pathogenic (2). 1 of the submissions does not count toward it. Last evaluated 2025-10-17.

Conditions:
X-linked Alport syndrome (ATS1). Also called: COL4A5-Related Nephropathy; NEPHROPATHY AND DEAFNESS, X-LINKED. Identifiers: Orphanet 63, Orphanet 88917, MedGen C4746986, MONDO:0010520, OMIM 301050.

Submissions (3):

Natera, Inc.
Classification: Likely pathogenic for X-linked Alport syndrome. Last evaluated: 2025-10-17. Review status: criteria provided, single submitter. Criteria: Natera Variant Classification Schema (03/2026). Collection method: clinical testing. Allele origin: germline.
Comment: The c.3409G>T variant in COL4A5 is a missense variant predicted to cause substitution of glycine to cysteine at amino acid 1137. This variant is rare in the general population with a frequency below the threshold expected for the associated phenotype(s). This variant is located in a functionally critical region of the protein. A different variant at the same position has been determined to be Pathogenic or Likely Pathogenic. Computational prediction algorithms indicate this variant is likely to affect gene or protein function. Given the available evidence, this variant is classified as Likely Pathogenic.

Fulgent Genetics
Classification: Likely pathogenic for X-linked Alport syndrome. Last evaluated: 2022-01-05. Review status: criteria provided, single submitter. Criteria: ACMG Guidelines, 2015. Collection method: clinical testing. Allele origin: unknown.

Gharavi Laboratory, Columbia University
Classification: Likely pathogenic. Last evaluated: 2018-09-16. Review status: no assertion criteria provided. Criteria: ACMG Guidelines, 2015. Collection method: research. Allele origin: germline. Affected: yes. Not counted in ClinVar's aggregate classification.

NM_033380.3(COL4A5):c.3409G>T (p.Gly1137Cys)

Gene: COL4A5 (collagen type IV alpha 5 chain; plus strand). Cytogenetic location: Xq22.3.
Variant type: single nucleotide variant.
Coding change: c.3409G>T on transcript NM_033380.3 (MANE Select); coding-DNA position 3409, G replaced by T.
Protein change: p.Gly1137Cys; replaces glycine 1137 with cysteine.
Molecular consequence: missense variant.
Genome position (GRCh38, 1-based): chrX:108,665,542, G>T. VCF-style: chrX-108665542-G-T. GRCh37 (hg19) VCF-style: chrX-107908772-G-T.
Other names: c.3409G>T, p.Gly1137Cys (NM_000495.5); c.3409G>T (NM_000495.4); short protein forms G1137C.
Identifiers: ClinVar variation 562369 (VCV000562369.3), dbSNP rs1569505374, ClinGen allele CA413847230.